The following is an entry in ClinVar:

NM_001852.4(COL9A2):c.1049A>G (p.Asp350Gly)

Gene: COL9A2 (collagen type IX alpha 2 chain; minus strand). Cytogenetic location: 1p34.2.
Variant type: single nucleotide variant.
Coding change: c.1049A>G on transcript NM_001852.4 (MANE Select); coding-DNA position 1049, A replaced by G.
Protein change: p.Asp350Gly; replaces aspartic acid 350 with glycine.
Molecular consequence: missense variant.
Genome position (GRCh38, 1-based): chr1:40,306,147, T>C on the plus strand (A>G on the coding strand, the complement: COL9A2 is on the minus strand). VCF-style: chr1-40306147-T-C. GRCh37 (hg19) VCF-style: chr1-40771819-T-C.
Other names: c.1049A>G (NM_001852.3); short protein forms D350G.
Identifiers: ClinVar variation 1660794 (VCV001660794.10), dbSNP rs765020486, ClinGen allele CA791622.

ClinVar aggregate classification (germline): Conflicting classifications of pathogenicity. Review status: criteria provided, conflicting classifications (1 of 4 stars). 2 submissions from 2 submitters: Uncertain significance (1); Likely benign (1). Last evaluated 2024-11-11.

Allele frequency attached by ClinVar (database versions not stated): ExAC 0.00001; gnomAD exomes 0.00002 and 0.00009; gnomAD 0.00011 and 0.00013; TOPMed 0.00026.
gnomAD v4.1: 41 of 1,613,956 alleles (0.0025%); highest among the groups gnomAD compares: Admixed American, 0.065%; no homozygotes.

Submissions (2):

Labcorp Genetics (formerly Invitae), Labcorp
Classification: Likely benign. Last evaluated: 2024-11-11. Review status: criteria provided, single submitter. Criteria: Invitae Variant Classification Sherloc (09022015). Collection method: clinical testing. Allele origin: germline.

GeneDx
Classification: Uncertain significance. Last evaluated: 2022-08-03. Review status: criteria provided, single submitter. Criteria: GeneDx Variant Classification Process June 2021. Collection method: clinical testing. Allele origin: germline. Affected: yes.
Comment: In silico analysis supports that this missense variant does not alter protein structure/function; Has not been previously published as pathogenic or benign to our knowledge